The following is an entry in ClinVar:

ClinVar aggregate classification (germline): Benign/Likely benign. Review status: criteria provided, multiple submitters, no conflicts (2 of 4 stars). 9 submissions from 9 submitters: Benign (1); Likely benign (7). 1 of the submissions does not count toward it. Last evaluated 2025-11-17.

Conditions:
Familial colorectal cancer type X. Identifiers: Orphanet 440437, MedGen C3896578, MONDO:0018604.
Ataxia-telangiectasia syndrome (AT). Also called: Ataxia telangiectasia (A-T); Ataxia-telangiectasia, complementation group E; LOUIS-BAR SYNDROME; Cerebello-oculocutaneous telangiectasia; Immunodeficiency with ataxia telangiectasia; Ataxia-telangiectasia, complementation group D. Identifiers: Orphanet 100, MedGen C0004135, MONDO:0008840, OMIM 208900.
Hereditary cancer-predisposing syndrome. Also called: Hereditary Cancer Syndrome; Neoplastic Syndromes, Hereditary; Tumor predisposition; Hereditary neoplastic syndrome. Identifiers: Orphanet 140162, MedGen C0027672, MeSH D009386, MONDO:0015356.
Familial cancer of breast. Also called: Hereditary breast cancer; hereditary breast carcinoma; BREAST CANCER, FAMILIAL. Identifiers: Orphanet 227535, MedGen C0346153, MONDO:0016419, OMIM 114480. Disease mechanism: loss of function.

Allele frequency attached by ClinVar (database versions not stated): gnomAD 0.00001; ExAC 0.00002; gnomAD exomes 0.00002 and 0.00003.
gnomAD v4.1: 37 of 1,613,748 alleles (0.0023%); highest among the groups gnomAD compares: Non-Finnish European, 0.0031%; no homozygotes.

Submissions (9):

Labcorp Genetics (formerly Invitae), Labcorp
Classification: Likely benign for Ataxia-telangiectasia syndrome. Last evaluated: 2025-11-17. Review status: criteria provided, single submitter. Criteria: Invitae Variant Classification Sherloc (09022015). Collection method: clinical testing. Allele origin: germline.

Myriad Genetics, Inc.
Classification: Benign for Familial cancer of breast. Last evaluated: 2024-05-16. Review status: criteria provided, single submitter. Criteria: Myriad Autosomal Dominant, Autosomal Recessive and X-Linked Classification Criteria (2023). Collection method: clinical testing. Allele origin: unknown.
Comment: This variant is considered benign. This variant is a silent/synonymous amino acid change and it is not expected to impact splicing.

Women's Health and Genetics/Laboratory Corporation of America, LabCorp
Classification: Likely benign. Last evaluated: 2023-09-21. Review status: criteria provided, single submitter. Criteria: LabCorp Variant Classification Summary - May 2015. Collection method: clinical testing. Allele origin: germline.

Department of Pathology and Laboratory Medicine, Sinai Health System
Classification: Likely benign for Familial colorectal cancer type X. Last evaluated: 2021-10-21. Review status: criteria provided, single submitter. Criteria: ACMG Guidelines, 2015. Collection method: clinical testing. Allele origin: germline. Affected: yes.

GeneDx
Classification: Likely benign. Last evaluated: 2019-12-23. Review status: criteria provided, single submitter. Criteria: GeneDx Variant Classification Process June 2021. Collection method: clinical testing. Allele origin: germline. Affected: yes.

PreventionGenetics, part of Exact Sciences
Classification: Likely benign. Last evaluated: 2017-11-10. Review status: criteria provided, single submitter. Criteria: ACMG Guidelines, 2015. Collection method: clinical testing. Allele origin: germline.

Color Diagnostics, LLC DBA Color Health
Classification: Likely benign for Hereditary cancer-predisposing syndrome. Last evaluated: 2017-03-03. Review status: criteria provided, single submitter. Criteria: ACMG Guidelines, 2015. Collection method: clinical testing. Allele origin: germline.

Ambry Genetics
Classification: Likely benign for Hereditary cancer-predisposing syndrome. Last evaluated: 2015-03-05. Review status: criteria provided, single submitter. Criteria: Ambry Variant Classification Scheme 2023. Collection method: clinical testing. Allele origin: germline.

True Health Diagnostics
Classification: Likely benign for Hereditary cancer-predisposing syndrome. Last evaluated: 2018-02-20. Review status: no assertion criteria provided. Collection method: clinical testing. Allele origin: germline. Not counted in ClinVar's aggregate classification.

NM_000051.4(ATM):c.4071T>C (p.Ser1357=)

Gene: ATM (ATM serine/threonine kinase; plus strand). Cytogenetic location: 11q22.3.
Variant type: single nucleotide variant.
Coding change: c.4071T>C on transcript NM_000051.4 (MANE Select); coding-DNA position 4071, T replaced by C.
Protein change: p.Ser1357=; no amino-acid change (serine 1357 retained).
Molecular consequence: synonymous variant.
Genome position (GRCh38, 1-based): chr11:108,287,677, T>C. VCF-style: chr11-108287677-T-C. GRCh37 (hg19) VCF-style: chr11-108158404-T-C.
Other names: c.4071T>C, p.Ser1357= (NM_001351834.2).
Identifiers: ClinVar variation 230702 (VCV000230702.24), dbSNP rs767516955, ClinGen allele CA6265389.